The following is an entry in ClinVar:

NM_001009944.3(PKD1):c.12604_12631del (p.Gly4202fs)

Gene: PKD1 (polycystin 1, transient receptor potential channel interacting; minus strand). Cytogenetic location: 16p13.3.
Variant type: Deletion.
Coding change: c.12604_12631del on transcript NM_001009944.3 (MANE Select); coding-DNA positions 12604 to 12631, 28 bases deleted (GGCCGGCTGGGGACAAGGTGTGAGCCTG).
Protein change: p.Gly4202fs; shifts the reading frame from glycine 4202.
Molecular consequence: frameshift variant.
Genome position (GRCh38, 1-based): chr16:2,090,008-2,090,035, CAGGCTCACACCTTGTCCCCAGCCGGCC deleted on the plus strand (GGCCGGCTGGGGACAAGGTGTGAGCCTG on the coding strand, the reverse complement: PKD1 is on the minus strand); deleting any 28 consecutive bases within chr16:2,090,008-2,090,044 gives the same sequence; the c. name uses the placement nearest the transcript's 3' end. VCF-style (leftmost placement, unchanged base first): chr16-2090007-TCAGGCTCACACCTTGTCCCCAGCCGGCC-T. GRCh37 (hg19) VCF-style: chr16-2140008-TCAGGCTCACACCTTGTCCCCAGCCGGCC-T.
Other names: c.12601_12628del, p.Gly4201fs (NM_000296.4); short protein forms G4202fs, G4201fs.
Identifiers: ClinVar variation 873352 (VCV000873352.4), dbSNP rs2091400717, ClinGen allele CA1139664260.

ClinVar aggregate classification (germline): Pathogenic. Review status: criteria provided, multiple submitters, no conflicts (2 of 4 stars). 2 submissions from 2 submitters: Pathogenic (2). Last evaluated 2020-02-05.

Conditions:
Polycystic kidney disease, adult type (PKD1). Also called: POLYCYSTIC KIDNEY DISEASE 1 WITH OR WITHOUT POLYCYSTIC LIVER DISEASE; Polycystic Kidney Disease 1, Autosomal Dominant; Polycystic kidney disease 1; Polycystic kidney disease 1, severe; Polycystic Kidney, Autosomal Dominant; POLYCYSTIC KIDNEY DISEASE, ADULT, TYPE I. Identifiers: MedGen C3149841, MONDO:0008263, OMIM 173900.

Submissions (2):

Cavalleri Lab, Royal College of Surgeons in Ireland
Classification: Pathogenic for Polycystic kidney disease, adult type. Last evaluated: 2020-02-05. Review status: criteria provided, single submitter. Criteria: ACMG Guidelines, 2015. Collection method: research. Allele origin: unknown. Inheritance: Autosomal dominant inheritance. Affected: yes.
Comment: PVS1, PM2, PP4, PP5

Centre for Mendelian Genomics, University Medical Centre Ljubljana
Classification: Pathogenic for Polycystic kidney disease, adult type. Last evaluated: 2019-06-05. Review status: criteria provided, single submitter. Criteria: ACMG Guidelines, 2015. Collection method: clinical testing. Allele origin: unknown. Affected: yes.
Comment: This variant was classified as: Pathogenic. The following ACMG criteria were applied in classifying this variant: PVS1,PS1,PM2.